The following is an entry in ClinVar:

ClinVar aggregate classification (germline): Uncertain significance. Review status: criteria provided, multiple submitters, no conflicts (2 of 4 stars). 2 submissions from 2 submitters: Uncertain significance (2). Last evaluated 2022-01-29.

Submissions (2):

Blueprint Genetics
Classification: Uncertain significance. Last evaluated: 2022-01-29. Review status: criteria provided, single submitter. Criteria: ACMG Guidelines, 2015. Collection method: clinical testing. Allele origin: germline.

Labcorp Genetics (formerly Invitae), Labcorp
Classification: Uncertain significance. Last evaluated: 2021-08-31. Review status: criteria provided, single submitter. Criteria: Invitae Variant Classification Sherloc (09022015). Collection method: clinical testing. Allele origin: germline.
Comment: This variant, c.13696_13697insTCA, results in the insertion of 1 amino acid(s) to the USH2A protein (p.Tyr4565_Thr4566insIle), but otherwise preserves the integrity of the reading frame. This variant is not present in population databases (ExAC no frequency). This variant has not been reported in the literature in individuals affected with USH2A-related conditions. Experimental studies and prediction algorithms are not available or were not evaluated, and the functional significance of this variant is currently unknown. In summary, the available evidence is currently insufficient to determine the role of this variant in disease. Therefore, it has been classified as a Variant of Uncertain Significance.

NM_206933.4(USH2A):c.13696_13697insTCA (p.Tyr4565_Thr4566insIle)

Gene: USH2A (usherin; minus strand). Cytogenetic location: 1q41.
Variant type: Insertion.
Coding change: c.13696_13697insTCA on transcript NM_206933.4 (MANE Select); coding-DNA positions 13696 to 13697, TCA inserted.
Protein change: p.Tyr4565_Thr4566insIle.
Molecular consequence: inframe insertion.
Genome position: GRCh38 VCF-style: chr1-215674214-G-GTGA. GRCh37 (hg19) VCF-style: chr1-215847556-G-GTGA.
Identifiers: ClinVar variation 1979124 (VCV001979124.2), dbSNP rs2464893933, ClinGen allele CA2580062036.
Genomic context (GRCh38, chr1:215,674,214, plus strand): 5'-TGAGTTGTGTTTATGTGTATGATTTTAGTTTCTCTTTCAAATAGTTCACGGATGAAGAGG[G>GTGA]TATAATTGATGATATCACCATTTGTTCTCACTGGAGGGTCCCAGTTCACTAAGATCTCCT-3'